The following is an entry in ClinVar:

NM_000540.3(RYR1):c.4937G>A (p.Cys1646Tyr)

Gene: RYR1 (ryanodine receptor 1; plus strand). Cytogenetic location: 19q13.2.
Variant type: single nucleotide variant.
Coding change: c.4937G>A on transcript NM_000540.3 (MANE Select); coding-DNA position 4937, G replaced by A.
Protein change: p.Cys1646Tyr; replaces cysteine 1646 with tyrosine.
Molecular consequence: missense variant.
Genome position (GRCh38, 1-based): chr19:38,485,592, G>A. VCF-style: chr19-38485592-G-A. GRCh37 (hg19) VCF-style: chr19-38976232-G-A.
Other names: c.4937G>A, p.Cys1646Tyr (NM_001042723.2); short protein forms C1646Y.
Identifiers: ClinVar variation 4528015 (VCV004528015.3).

ClinVar aggregate classification (germline): Uncertain significance. Review status: criteria provided, multiple submitters, no conflicts (2 of 4 stars). 3 submissions from 3 submitters: Uncertain significance (3). Last evaluated 2026-06-17.

Conditions:
Malignant hyperthermia, susceptibility to, 1 (MHS1). Also called: Anesthesia related hyperthermia; Malignant hyperpyrexia; Fulminating hyperpyrexia; Pharmacogenic myopathy; RYR1-Related Malignant Hyperthermia Susceptibility; Malignant hyperthermia suceptibility 1. Identifiers: Orphanet 423, MedGen C2930980, MONDO:0007783, OMIM 145600.
Inborn genetic diseases. Identifiers: MedGen C0950123, MeSH D030342.

gnomAD v4.1: 1 of 1,608,902 alleles (0.000062%); highest among the groups gnomAD compares: Non-Finnish European, 0.000085%; no homozygotes.

Submissions (3):

Ambry Genetics
Classification: Uncertain significance for Inborn genetic diseases. Last evaluated: 2026-06-17. Review status: criteria provided, single submitter. Criteria: Ambry Variant Classification Scheme 2023. Collection method: clinical testing. Allele origin: germline.

Color Diagnostics, LLC DBA Color Health
Classification: Uncertain significance for Malignant hyperthermia, susceptibility to, 1. Last evaluated: 2025-06-29. Review status: criteria provided, single submitter. Criteria: ACMG Guidelines, 2015. Collection method: clinical testing. Allele origin: germline.
Comment: This missense variant replaces cysteine with tyrosine at codon 1646 of the RYR1 protein. Computational prediction is inconclusive regarding the impact of this variant on protein structure and function. To our knowledge, functional studies have not been reported for this variant. This variant has not been reported in individuals affected with RYR1-related disorders in the literature. This variant has been identified in 1/246402 chromosomes in the general population by the Genome Aggregation Database (gnomAD). The available evidence is insufficient to determine the role of this variant in disease conclusively. Therefore, this variant is classified as a Variant of Uncertain Significance.

GeneDx
Classification: Uncertain significance. Last evaluated: 2025-05-01. Review status: criteria provided, single submitter. Criteria: GeneDx Variant Classification Process June 2021. Collection method: clinical testing. Allele origin: germline. Affected: yes.
Comment: Not observed at significant frequency in large population cohorts (gnomAD); In silico analysis supports that this missense variant has a deleterious effect on protein structure/function; Has not been previously published as pathogenic or benign to our knowledge